The following is an entry in ClinVar:

NM_000245.4(MET):c.1528-7T>G

Gene: MET (MET proto-oncogene, receptor tyrosine kinase; plus strand). Cytogenetic location: 7q31.2.
Variant type: single nucleotide variant.
Coding change: c.1528-7T>G on transcript NM_000245.4 (MANE Select); 7 bases into the intron before coding-DNA position 1528, T replaced by G.
Molecular consequence: intron variant.
Genome position (GRCh38, 1-based): chr7:116,740,845, T>G. VCF-style: chr7-116740845-T-G. GRCh37 (hg19) VCF-style: chr7-116380899-T-G.
Other names: c.1528-7T>G (NM_001127500.3, NM_001324401.3); c.238-7T>G (NM_001324402.2).
Identifiers: ClinVar variation 2817220 (VCV002817220.3), dbSNP rs2116833566, ClinGen allele CA2739279884.

ClinVar aggregate classification (germline): Uncertain significance (1 of 4 stars; one submission).

Conditions:
Renal cell carcinoma. Identifiers: Orphanet 217071, MedGen C0007134, MeSH D002292, MONDO:0005086, HP:0005584.

Submission:

Labcorp Genetics (formerly Invitae), Labcorp
Classification: Uncertain significance for Renal cell carcinoma. Last evaluated: 2023-04-25. Review status: criteria provided, single submitter. Criteria: Invitae Variant Classification Sherloc (09022015). Collection method: clinical testing. Allele origin: germline.
Comment: This variant is not present in population databases (gnomAD no frequency). This sequence change falls in intron 4 of the MET gene. It does not directly change the encoded amino acid sequence of the MET protein. This variant has not been reported in the literature in individuals affected with MET-related conditions. Algorithms developed to predict the effect of sequence changes on RNA splicing suggest that this variant may create or strengthen a splice site. In summary, the available evidence is currently insufficient to determine the role of this variant in disease. Therefore, it has been classified as a Variant of Uncertain Significance.